The following is an entry in ClinVar:

ClinVar aggregate classification (germline): Uncertain significance (1 of 4 stars; one submission).

Conditions:
CEP290-related disorder. Also called: CEP290-related condition; CEP290-related disorders. Identifiers: MedGen CN239314.

Submission:

PreventionGenetics, part of Exact Sciences
Classification: Uncertain significance for CEP290-related condition. Last evaluated: 2026-02-08. Review status: criteria provided, single submitter. Criteria: ACMG Guidelines, 2015. Collection method: clinical testing. Allele origin: germline.
Comment: The CEP290 c.5081T>C variant is predicted to result in the amino acid substitution p.Leu1694Pro. This variant has been reported in the compound heterozygous state in two individuals with Leber congenital amaurosis (Table S2, Drivas et al. 2015. PubMed ID: 26062849; Coppieters et al. 2010. PubMed ID: 20683928). This variant has not been reported in a large population database (gnomAD), indicating this variant is rare. At this time, the clinical significance of this variant is uncertain due to the absence of conclusive functional and genetic evidence.

NM_025114.4(CEP290):c.5081T>C (p.Leu1694Pro)

Gene: CEP290 (centrosomal protein 290; minus strand). Cytogenetic location: 12q21.32.
Variant type: single nucleotide variant.
Coding change: c.5081T>C on transcript NM_025114.4 (MANE Select); coding-DNA position 5081, T replaced by C.
Protein change: p.Leu1694Pro; replaces leucine 1694 with proline.
Molecular consequence: missense variant.
Genome position (GRCh38, 1-based): chr12:88,080,327, A>G on the plus strand (T>C on the coding strand, the complement: CEP290 is on the minus strand). VCF-style: chr12-88080327-A-G. GRCh37 (hg19) VCF-style: chr12-88474104-A-G.
Other names: short protein forms L1694P.
Identifiers: ClinVar variation 4994727 (VCV004994727.1).